The following is an entry in ClinVar:

ClinVar aggregate classification (germline): Likely benign. Review status: criteria provided, multiple submitters, no conflicts (2 of 4 stars). 3 submissions from 3 submitters: Likely benign (2). 1 of the submissions does not count toward it. Last evaluated 2024-08-04.

Conditions:
COL6A3-related disorder. Also called: COL6A3-related disorders; COL6A3-related condition.
Bethlem myopathy 1A. Also called: MYOPATHY, BENIGN CONGENITAL, WITH CONTRACTURES; Bethlem Muscular Dystrophy; Bethlem myopathy 1. Identifiers: Orphanet 610, MedGen CN029274, MONDO:0024530, OMIM 158810.

Allele frequency attached by ClinVar (database versions not stated): TOPMed 0.00001; gnomAD 0.00002; gnomAD exomes 0.00004; ExAC 0.00011.
gnomAD v4.1: 60 of 1,614,112 alleles (0.0037%); highest among the groups gnomAD compares: South Asian, 0.037%; no homozygotes.

Submissions (3):

Labcorp Genetics (formerly Invitae), Labcorp
Classification: Likely benign for Bethlem myopathy 1A. Last evaluated: 2024-08-04. Review status: criteria provided, single submitter. Criteria: Invitae Variant Classification Sherloc (09022015). Collection method: clinical testing. Allele origin: germline.

Blueprint Genetics
Classification: Likely benign. Last evaluated: 2024-07-26. Review status: criteria provided, single submitter. Criteria: ACMG Guidelines, 2015. Collection method: clinical testing. Allele origin: germline.

PreventionGenetics, part of Exact Sciences
Classification: Likely benign for COL6A3-related condition. Last evaluated: 2019-06-17. Review status: no assertion criteria provided. Collection method: clinical testing. Allele origin: germline. Not counted in ClinVar's aggregate classification.
Comment: This variant is classified as likely benign based on ACMG/AMP sequence variant interpretation guidelines (Richards et al. 2015 PMID: 25741868, with internal and published modifications).

NM_004369.4(COL6A3):c.2304C>T (p.Arg768=)

Gene: COL6A3 (collagen type VI alpha 3 chain; minus strand). Cytogenetic location: 2q37.3.
Variant type: single nucleotide variant.
Coding change: c.2304C>T on transcript NM_004369.4 (MANE Select); coding-DNA position 2304, C replaced by T.
Protein change: p.Arg768=; no amino-acid change (arginine 768 retained).
Molecular consequence: synonymous variant. On other transcripts: intron variant (1).
Genome position (GRCh38, 1-based): chr2:237,378,829, G>A on the plus strand (C>T on the coding strand, the complement: COL6A3 is on the minus strand). VCF-style: chr2-237378829-G-A. GRCh37 (hg19) VCF-style: chr2-238287472-G-A.
Other names: c.1083C>T, p.Arg361= (NM_057164.5); c.1686C>T, p.Arg562= (NM_057165.5, NM_057167.4); c.677-1485C>T (NM_057166.5).
Identifiers: ClinVar variation 2044430 (VCV002044430.7), dbSNP rs748301065, ClinGen allele CA2189432.
Genomic context (GRCh38, chr2:237,378,829, plus strand): 5'-CTGCTCAAGCTCTGCCTTATTCGCCTGGCTAGCTCCCACACAAAAAGTCAGGATGCCCGC[G>A]CGTGTCAAGGCGTTGGCAGCTTGCAAATAGGAGTCCTCAGACTGCCCAGCTGTGAGCAGA-3'
Protein context (NP_004360.2, residues 758-778): SYLQAANALT[Arg768=]AGILTFCVGA